The following is an entry in ClinVar:

NM_004655.4(AXIN2):c.439A>G (p.Lys147Glu)

Gene: AXIN2 (axin 2; minus strand). Cytogenetic location: 17q24.1.
Variant type: single nucleotide variant.
Coding change: c.439A>G on transcript NM_004655.4 (MANE Select); coding-DNA position 439, A replaced by G.
Protein change: p.Lys147Glu; replaces lysine 147 with glutamic acid.
Molecular consequence: missense variant.
Genome position (GRCh38, 1-based): chr17:65,558,182, T>C on the plus strand (A>G on the coding strand, the complement: AXIN2 is on the minus strand). VCF-style: chr17-65558182-T-C. GRCh37 (hg19) VCF-style: chr17-63554300-T-C.
Other names: c.439A>G, p.Lys147Glu (NM_001363813.1); short protein forms K147E.
Identifiers: ClinVar variation 2474100 (VCV002474100.3), dbSNP rs2544250829, ClinGen allele CA400681387.

ClinVar aggregate classification (germline): Uncertain significance (1 of 4 stars; one submission).

Conditions:
Hereditary cancer-predisposing syndrome. Also called: Neoplastic Syndromes, Hereditary; Hereditary neoplastic syndrome; Tumor predisposition; Hereditary Cancer Syndrome. Identifiers: Orphanet 140162, MedGen C0027672, MeSH D009386, MONDO:0015356.

gnomAD v4.1: 1 of 1,612,798 alleles (0.000062%); highest among the groups gnomAD compares: African/African-American, 0.0013%; no homozygotes.

Submission:

Ambry Genetics
Classification: Uncertain significance for Hereditary cancer-predisposing syndrome. Last evaluated: 2024-12-20. Review status: criteria provided, single submitter. Criteria: Ambry Variant Classification Scheme 2023. Collection method: clinical testing. Allele origin: germline.
Comment: The p.K147E variant (also known as c.439A>G), located in coding exon 1 of the AXIN2 gene, results from an A to G substitution at nucleotide position 439. The lysine at codon 147 is replaced by glutamic acid, an amino acid with similar properties. This amino acid position is conserved. In addition, this alteration is predicted to be tolerated by in silico analysis. Based on the available evidence, the clinical significance of this variant remains unclear.